The following is an entry in ClinVar:

ClinVar aggregate classification (germline): Likely benign (0 of 4 stars; one submission).

Conditions:
NRP2-related disorder. Also called: NRP2-related condition.

Allele frequency attached by ClinVar (database versions not stated): gnomAD 0.00001; TOPMed 0.00001; ExAC 0.00006.
gnomAD v4.1: 46 of 1,613,550 alleles (0.0029%); highest among the groups gnomAD compares: South Asian, 0.026%; no homozygotes.

Submission:

PreventionGenetics, part of Exact Sciences
Classification: Likely benign for NRP2-related condition. Last evaluated: 2022-04-28. Review status: no assertion criteria provided. Collection method: clinical testing. Allele origin: germline.
Comment: This variant is classified as likely benign based on ACMG/AMP sequence variant interpretation guidelines (Richards et al. 2015 PMID: 25741868, with internal and published modifications).

NM_003872.3(NRP2):c.2028C>T (p.Asn676=)

Genes: NRP2 (neuropilin 2; plus strand), LOC126806481 (CDK7 strongly-dependent group 2 enhancer GRCh37_chr2:206617009-206618208; plus strand). Cytogenetic location: 2q33.3.
Variant type: single nucleotide variant.
Coding change: c.2028C>T on transcript NM_003872.3 (MANE Select); coding-DNA position 2028, C replaced by T.
Protein change: p.Asn676=; no amino-acid change (asparagine 676 retained).
Molecular consequence: synonymous variant.
Genome position (GRCh38, 1-based): chr2:205,752,959, C>T. VCF-style: chr2-205752959-C-T. GRCh37 (hg19) VCF-style: chr2-206617683-C-T.
Other names: c.2028C>T, p.Asn676= (NM_018534.4, NM_201266.2, NM_201267.2 and 1 more transcripts).
Identifiers: ClinVar variation 3030627 (VCV003030627.2), dbSNP rs746667684, ClinGen allele CA2069288.